The following is an entry in ClinVar:

ClinVar aggregate classification (germline): Benign (1 of 4 stars; one submission).

Conditions:
Histiocytic medullary reticulosis. Also called: SEVERE COMBINED IMMUNODEFICIENCY WITH HYPEREOSINOPHILIA; Omenn syndrome. Identifiers: Orphanet 39041, MedGen C2700553, MONDO:0011338, OMIM 603554.

Allele frequency attached by ClinVar (database versions not stated): TOPMed 0.01772; 1000 Genomes Project 0.02216; 1000 Genomes Project 30x 0.02233.

Submission:

Illumina Laboratory Services, Illumina
Classification: Benign for Histiocytic medullary reticulosis. Last evaluated: 2018-01-13. Review status: criteria provided, single submitter. Criteria: ICSL Variant Classification Criteria 13 December 2019. Collection method: clinical testing. Allele origin: germline.
Comment: This variant was observed in the ICSL laboratory as part of a predisposition screen in an ostensibly healthy population. It had not been previously curated by ICSL or reported in the Human Gene Mutation Database (HGMD: prior to June 1st, 2018), and was therefore a candidate for classification through an automated scoring system. Utilizing variant allele frequency, disease prevalence and penetrance estimates, and inheritance mode, an automated score was calculated to assess if this variant is too frequent to cause the disease. Based on the score and internal cut-off values, a variant classified as benign is not then subjected to further curation. The score for this variant resulted in a classification of benign for this disease.

NM_001033855.3(DCLRE1C):c.*1390T>C

Gene: DCLRE1C (DNA cross-link repair 1C; minus strand). Cytogenetic location: 10p13.
Variant type: single nucleotide variant.
Coding change: c.*1390T>C on transcript NM_001033855.3 (MANE Select); 1390 bases downstream of the stop codon, T replaced by C.
Molecular consequence: 3 prime UTR variant. On other transcripts: non-coding transcript variant (3), intron variant (3).
Genome position (GRCh38, 1-based): chr10:14,907,018, A>G on the plus strand (T>C on the coding strand, the complement: DCLRE1C is on the minus strand). VCF-style: chr10-14907018-A-G. GRCh37 (hg19) VCF-style: chr10-14949017-A-G.
Other names: c.*1390T>C (NM_001033857.3, NM_001033858.3, NM_001289076.2 and 4 more transcripts); c.1437+1687T>C (NM_001350966.2); c.1782+1687T>C (NM_001350965.2); c.1422+1687T>C (NM_001350967.2).
Identifiers: ClinVar variation 299270 (VCV000299270.5), dbSNP rs12245956, ClinGen allele CA10635296.